The following is an entry in ClinVar:

ClinVar aggregate classification (germline): Uncertain significance (1 of 4 stars; one submission).

Conditions:
3-hydroxyisobutyryl-CoA hydrolase deficiency. Also called: HIBCH DEFICIENCY; METHACRYLIC ACID TOXICITY; METHACRYLIC ACIDURIA; Reduced circulating 3-hydroxyisobutyryl-CoA hydrolase activity; Deficiency of 3-hydroxyisobutyryl CoA hydrolase; VALINE METABOLIC DEFECT. Identifiers: Orphanet 88639, MedGen C0342738, MONDO:0009603, OMIM 250620, HP:6000215.

Submission:

Labcorp Genetics (formerly Invitae), Labcorp
Classification: Uncertain significance for 3-hydroxyisobutyryl-CoA hydrolase deficiency. Last evaluated: 2022-10-17. Review status: criteria provided, single submitter. Criteria: Invitae Variant Classification Sherloc (09022015). Collection method: clinical testing. Allele origin: germline.
Comment: In summary, the available evidence is currently insufficient to determine the role of this variant in disease. Therefore, it has been classified as a Variant of Uncertain Significance. Experimental studies and prediction algorithms are not available or were not evaluated, and the effect of this variant on mRNA splicing is currently unknown. This variant has not been reported in the literature in individuals affected with HIBCH-related conditions. This variant is not present in population databases (gnomAD no frequency). This sequence change falls in intron 9 of the HIBCH gene. It does not directly change the encoded amino acid sequence of the HIBCH protein.

NM_014362.4(HIBCH):c.751-5_751-2del

Gene: HIBCH (3-hydroxyisobutyryl-CoA hydrolase; minus strand). Cytogenetic location: 2q32.2.
Variant type: Deletion.
Coding change: c.751-5_751-2del on transcript NM_014362.4 (MANE Select); 5 bases into the intron before coding-DNA position 751 through the canonical splice acceptor site of the intron before coding-DNA position 751, 4 bases deleted (AACA; older notation c.751-5_751-2delAACA).
Molecular consequence: splice acceptor variant.
Genome position (GRCh38, 1-based): chr2:190,246,214-190,246,217, TGTT deleted on the plus strand (AACA on the coding strand, the reverse complement: HIBCH is on the minus strand); deleting any 4 consecutive bases within chr2:190,246,214-190,246,219 gives the same sequence; the c. name uses the placement nearest the transcript's 3' end. VCF-style (leftmost placement, unchanged base first): chr2-190246213-CTGTT-C. GRCh37 (hg19) VCF-style: chr2-191110939-CTGTT-C.
Other names: c.751-5_751-2del (NM_198047.3).
Identifiers: ClinVar variation 1902427 (VCV001902427.5), dbSNP rs2468720005, ClinGen allele CA2580065326.